The following is an entry in ClinVar:

NM_014918.5(CHSY1):c.96del (p.Glu33fs)

Genes: CHSY1 (chondroitin sulfate synthase 1; minus strand), LOC130058068 (ATAC-STARR-seq lymphoblastoid silent region 6885; plus strand). Cytogenetic location: 15q26.3.
Variant type: Deletion.
Coding change: c.96del on transcript NM_014918.5 (MANE Select); coding-DNA position 96, one base deleted (C; older notation c.96delC).
Protein change: p.Glu33fs; shifts the reading frame from glutamic acid 33.
Molecular consequence: frameshift variant.
Genome position (GRCh38, 1-based): chr15:101,251,361, G deleted on the plus strand (C on the coding strand, the reverse complement: CHSY1 is on the minus strand); the first of 2 consecutive G bases (chr15:101,251,361-101,251,362); deleting either gives the same sequence. VCF-style (leftmost placement, unchanged base first): chr15-101251360-CG-C. GRCh37 (hg19) VCF-style: chr15-101791565-CG-C.
Other names: short protein forms E33fs.
Identifiers: ClinVar variation 30715 (VCV000030715.2), dbSNP rs1596459125, ClinGen allele CA913186000.

ClinVar aggregate classification (germline): Pathogenic. Review status: criteria provided, single submitter (1 of 4 stars). 2 submissions from 2 submitters: Pathogenic (1). 1 of the submissions does not count toward it. Last evaluated 2024-08-26.

Conditions:
Temtamy preaxial brachydactyly syndrome (TPBS). Identifiers: Orphanet 363417, MedGen C1854466, MONDO:0011533, OMIM 605282.

Submissions (2):

3billion
Classification: Pathogenic for Temtamy preaxial brachydactyly syndrome. Last evaluated: 2024-08-26. Review status: criteria provided, single submitter. Criteria: ACMG Guidelines, 2015. Collection method: clinical testing. Allele origin: germline. Affected: yes.
Comment: The variant is not observed in the gnomAD v4.0.0 dataset. Predicted Consequence/Location: Frameshift: predicted to result in a loss or disruption of normal protein function through nonsense-mediated decay (NMD) or protein truncation. Multiple pathogenic variants are reported downstream of the variant. The variant has been reported to be associated with CHSY1 related disorder (ClinVar ID: VCV000030715 /PMID: 21129727). Therefore, this variant is classified as Pathogenic according to the recommendation of ACMG/AMP guideline.

OMIM
Classification: Pathogenic for TEMTAMY PREAXIAL BRACHYDACTYLY SYNDROME. Last evaluated: 2010-12-10. Review status: no assertion criteria provided. Collection method: literature only. Allele origin: germline. Not counted in ClinVar's aggregate classification.

Literature cited by the submitters: PubMed 21129727 (cited by 3billion and OMIM).